The following is an entry in ClinVar:

ClinVar aggregate classification (germline): Pathogenic (1 of 4 stars; one submission).

Conditions:
Primary ciliary dyskinesia 5. Also called: CILIARY DYSKINESIA, PRIMARY, 5, WITHOUT SITUS INVERSUS. Identifiers: Orphanet 244, MedGen C1837615, MONDO:0012088, OMIM 608647.

gnomAD v4.1: 7 of 1,614,096 alleles (0.00043%); highest among the groups gnomAD compares: African/African-American, 0.0013%; no homozygotes.

Submission:

Royal Brompton Clinical Genetics And Genomics Laboratory, NHS South East Genomic Laboratory Hub
Classification: Pathogenic for Primary ciliary dyskinesia 5. Last evaluated: 2024-03-06. Review status: criteria provided, single submitter. Criteria: RBHT-CGGL ClinVar Assertion Criteria. Collection method: clinical testing. Allele origin: germline. Affected: yes. Observed: 1 variant allele.

Literature cited by the submitters: PubMed 31469207.

NM_001270974.2(HYDIN):c.1147C>T (p.Arg383Ter)

Gene: HYDIN (HYDIN axonemal central pair apparatus protein; minus strand). Cytogenetic location: 16q22.2.
Variant type: single nucleotide variant.
Coding change: c.1147C>T on transcript NM_001270974.2 (MANE Select); coding-DNA position 1147, C replaced by T.
Protein change: p.Arg383Ter; replaces arginine 383 with a stop codon.
Molecular consequence: nonsense.
Genome position (GRCh38, 1-based): chr16:71,129,720, G>A on the plus strand (C>T on the coding strand, the complement: HYDIN is on the minus strand). VCF-style: chr16-71129720-G-A. GRCh37 (hg19) VCF-style: chr16-71163623-G-A.
Other names: c.1228C>T, p.Arg410Ter (NM_001198542.1); c.1198C>T, p.Arg400Ter (NM_001198543.1); c.1147C>T, p.Arg383Ter (NM_017558.5); short protein forms R383*, R400*, R410*.
Identifiers: ClinVar variation 3027482 (VCV003027482.1), dbSNP rs543553606, ClinGen allele CA396633182.